The following is an entry in ClinVar:

NM_015404.4(WHRN):c.1979G>A (p.Ser660Asn)

Gene: WHRN (whirlin; minus strand). Cytogenetic location: 9q32.
Variant type: single nucleotide variant.
Coding change: c.1979G>A on transcript NM_015404.4 (MANE Select); coding-DNA position 1979, G replaced by A.
Protein change: p.Ser660Asn; replaces serine 660 with asparagine.
Molecular consequence: missense variant.
Genome position (GRCh38, 1-based): chr9:114,406,612, C>T on the plus strand (G>A on the coding strand, the complement: WHRN is on the minus strand). VCF-style: chr9-114406612-C-T. GRCh37 (hg19) VCF-style: chr9-117168892-C-T.
Other names: c.830G>A, p.Ser277Asn (NM_001083885.3); c.1979G>A, p.Ser660Asn (NM_001173425.2); c.926G>A, p.Ser309Asn (NM_001346890.1); short protein forms S277N, S309N, S660N.
Identifiers: ClinVar variation 1000986 (VCV001000986.6), dbSNP rs1835050062, ClinGen allele CA374620541.
Genomic context (GRCh38, chr9:114,406,612, plus strand): 5'-AAGGGGCCGATGGGGTGTTGGTTGACCAGGGCCAGATGGGCGTCCAGCGGCCTCTTGGAG[C>T]TGGGGTTGGCAGGGGAGACGGAGGCATAGATGGGGGAAGAGGGCAAGTCCTGTGCAGAGG-3'
Protein context (NP_056219.3, residues 650-670): IYASVSPANP[Ser660Asn]SKRPLDAHLA

ClinVar aggregate classification (germline): Uncertain significance (1 of 4 stars; one submission).

Submission:

Labcorp Genetics (formerly Invitae), Labcorp
Classification: Uncertain significance. Last evaluated: 2020-09-09. Review status: criteria provided, single submitter. Criteria: Invitae Variant Classification Sherloc (09022015). Collection method: clinical testing. Allele origin: germline.
Comment: This sequence change replaces serine with asparagine at codon 660 of the WHRN protein (p.Ser660Asn). The serine residue is moderately conserved and there is a small physicochemical difference between serine and asparagine. This variant is not present in population databases (ExAC no frequency). This variant has not been reported in the literature in individuals with WHRN-related conditions. Algorithms developed to predict the effect of missense changes on protein structure and function (SIFT, PolyPhen-2, Align-GVGD) all suggest that this variant is likely to be tolerated, but these predictions have not been confirmed by published functional studies and their clinical significance is uncertain. In summary, the available evidence is currently insufficient to determine the role of this variant in disease. Therefore, it has been classified as a Variant of Uncertain Significance.